The following is an entry in ClinVar:

ClinVar aggregate classification (germline): Uncertain significance (1 of 4 stars; one submission).

Conditions:
Fanconi anemia (FA). Also called: Fanconi's anemia. Identifiers: Orphanet 84, MedGen C0015625, MeSH D005199, MONDO:0019391.

Submission:

Labcorp Genetics (formerly Invitae), Labcorp
Classification: Uncertain significance for Fanconi anemia. Last evaluated: 2020-06-15. Review status: criteria provided, single submitter. Criteria: Invitae Variant Classification Sherloc (09022015). Collection method: clinical testing. Allele origin: germline.
Comment: This sequence change replaces glutamine with leucine at codon 788 of the SLX4 protein (p.Gln788Leu). The glutamine residue is moderately conserved and there is a moderate physicochemical difference between glutamine and leucine. This variant is not present in population databases (ExAC no frequency). In summary, the available evidence is currently insufficient to determine the role of this variant in disease. Therefore, it has been classified as a Variant of Uncertain Significance. Algorithms developed to predict the effect of missense changes on protein structure and function output the following: SIFT: "Deleterious"; PolyPhen-2: "Probably Damaging"; Align-GVGD: "Class C0". The leucine amino acid residue is found in multiple mammalian species, suggesting that this missense change does not adversely affect protein function. These predictions have not been confirmed by published functional studies and their clinical significance is uncertain. This variant has not been reported in the literature in individuals with SLX4-related conditions.

NM_032444.4(SLX4):c.2363A>T (p.Gln788Leu)

Gene: SLX4 (SLX4 structure-specific endonuclease subunit; minus strand). Cytogenetic location: 16p13.3.
Variant type: single nucleotide variant.
Coding change: c.2363A>T on transcript NM_032444.4 (MANE Select); coding-DNA position 2363, A replaced by T.
Protein change: p.Gln788Leu; replaces glutamine 788 with leucine.
Molecular consequence: missense variant.
Genome position (GRCh38, 1-based): chr16:3,591,275, T>A on the plus strand (A>T on the coding strand, the complement: SLX4 is on the minus strand). VCF-style: chr16-3591275-T-A. GRCh37 (hg19) VCF-style: chr16-3641276-T-A.
Other names: short protein forms Q788L.
Identifiers: ClinVar variation 1020879 (VCV001020879.8), dbSNP rs748659860, ClinGen allele CA394524078.
Genomic context (GRCh38, chr16:3,591,275, plus strand): 5'-CAATTCTCTGCTTCCTTCTCCTCCCATGGTTTGCCCTCTGAGTCAGTGGCAATAGGCACC[T>A]GTTCGCACAGGTGAACGAGCTCACTCACGCCAAACCTGCAACACGAAACATCGACAGTCA-3'
Protein context (NP_115820.2, residues 778-798): GVSELVHLCE[Gln788Leu]VPIATDSEGK